The following is an entry in ClinVar:

NM_018100.4(EFHC1):c.917-16C>T

Gene: EFHC1 (EF-hand domain containing 1; plus strand). Cytogenetic location: 6p12.2.
Variant type: single nucleotide variant.
Coding change: c.917-16C>T on transcript NM_018100.4 (MANE Select); 16 bases into the intron before coding-DNA position 917, C replaced by T.
Molecular consequence: intron variant.
Genome position (GRCh38, 1-based): chr6:52,464,879, C>T. VCF-style: chr6-52464879-C-T. GRCh37 (hg19) VCF-style: chr6-52329677-C-T.
Other names: c.860-16C>T (NM_001172420.2); c.917-16C>T (NM_018100.3).
Identifiers: ClinVar variation 2503802 (VCV002503802.1), dbSNP rs1017663393, ClinGen allele CA138982119.

ClinVar aggregate classification (germline): Uncertain significance (1 of 4 stars; one submission).

Allele frequency attached by ClinVar (database versions not stated): gnomAD exomes below 0.00001.
gnomAD v4.1: 4 of 1,603,508 alleles (0.00025%); highest among the groups gnomAD compares: Admixed American, 0.0067%; no homozygotes.

Submission:

Women's Health and Genetics/Laboratory Corporation of America, LabCorp
Classification: Uncertain significance. Last evaluated: 2023-04-14. Review status: criteria provided, single submitter. Criteria: LabCorp Variant Classification Summary - May 2015. Collection method: clinical testing. Allele origin: germline.
Comment: Variant summary: EFHC1 c.917-16C>T alters a non-conserved nucleotide located close to a canonical splice site and therefore could affect mRNA splicing, leading to a significantly altered protein sequence. 4/4 computational tools predict no significant impact on normal splicing. However, these predictions have yet to be confirmed by functional studies. The variant allele was found at a frequency of 1.6e-05 in 251054 control chromosomes (gnomAD). The available data on variant occurrences in the general population are insufficient to allow any conclusion about variant significance. To our knowledge, no occurrence of c.917-16C>T in individuals affected with Juvenile Myoclonic Epilepsy and no experimental evidence demonstrating its impact on protein function have been reported. No clinical diagnostic laboratories have submitted clinical-significance assessments for this variant to ClinVar after 2014. Based on the evidence outlined above, the variant was classified as uncertain significance.